The following is an entry in ClinVar:

ClinVar aggregate classification (germline): Uncertain significance (1 of 4 stars; one submission).

Conditions:
SEMA3C-related disorder. Also called: SEMA3C-related condition.

Submission:

PreventionGenetics, part of Exact Sciences
Classification: Uncertain significance for SEMA3C-related condition. Last evaluated: 2025-08-19. Review status: criteria provided, single submitter. Criteria: ACMG Guidelines, 2015. Collection method: clinical testing. Allele origin: germline.
Comment: The SEMA3C c.157G>A variant is predicted to result in the amino acid substitution p.Glu53Lys. To our knowledge, this variant has not been reported in the literature or in a large population database (gnomAD), indicating this variant is rare. At this time, the clinical significance of this variant is uncertain due to the absence of conclusive functional and genetic evidence.

NM_006379.5(SEMA3C):c.103G>A (p.Glu35Lys)

Gene: SEMA3C (semaphorin 3C; minus strand). Cytogenetic location: 7q21.11.
Variant type: single nucleotide variant.
Coding change: c.103G>A on transcript NM_006379.5 (MANE Select); coding-DNA position 103, G replaced by A.
Protein change: p.Glu35Lys; replaces glutamic acid 35 with lysine.
Molecular consequence: missense variant. On other transcripts: 5 prime UTR variant (1).
Genome position (GRCh38, 1-based): chr7:80,916,679, C>T on the plus strand (G>A on the coding strand, the complement: SEMA3C is on the minus strand). VCF-style: chr7-80916679-C-T. GRCh37 (hg19) VCF-style: chr7-80545995-C-T.
Other names: c.157G>A, p.Glu53Lys (NM_001350120.2); c.-160G>A (NM_001350121.2); short protein forms E35K, E53K.
Identifiers: ClinVar variation 4992353 (VCV004992353.1).